The following is an entry in ClinVar:

ClinVar aggregate classification (germline): Uncertain significance (1 of 4 stars; one submission).

Allele frequency attached by ClinVar (database versions not stated): TOPMed 0.00001; gnomAD 0.00004; gnomAD exomes 0.00004 and 0.00007; ExAC 0.00011.

Submissions (2):

Labcorp Genetics (formerly Invitae), Labcorp
Classification: Uncertain significance. Last evaluated: 2020-10-08. Review status: criteria provided, single submitter. Criteria: Invitae Variant Classification Sherloc (09022015). Collection method: clinical testing. Allele origin: germline.
Comment: Algorithms developed to predict the effect of missense changes on protein structure and function are either unavailable or do not agree on the potential impact of this missense change (SIFT: "Tolerated"; PolyPhen-2: "Possibly Damaging"; Align-GVGD: "Class C0"). In summary, the available evidence is currently insufficient to determine the role of this variant in disease. Therefore, it has been classified as a Variant of Uncertain Significance. Algorithms developed to predict the effect of sequence changes on RNA splicing suggest that this variant may create or strengthen a splice site, but this prediction has not been confirmed by published transcriptional studies. This variant has not been reported in the literature in individuals with FGFR3-related conditions. This variant is present in population databases (rs774749538, ExAC 0.02%). This sequence change replaces arginine with glutamine at codon 124 of the FGFR3 protein (p.Arg124Gln). The arginine residue is moderately conserved and there is a small physicochemical difference between arginine and glutamine.

Dr. Peter K. Rogan Lab, Western University
No classification provided (evidence only). Condition: Lung cancer. Review status: no classification provided. Collection method: in vitro. Allele origin: not applicable. Functional consequence: retained intron. Not counted in ClinVar's aggregate classification.

NM_000142.5(FGFR3):c.371G>A (p.Arg124Gln)

Gene: FGFR3 (fibroblast growth factor receptor 3; plus strand). Cytogenetic location: 4p16.3.
Variant type: single nucleotide variant.
Coding change: c.371G>A on transcript NM_000142.5 (MANE Select); coding-DNA position 371, G replaced by A.
Protein change: p.Arg124Gln; replaces arginine 124 with glutamine.
Molecular consequence: missense variant. On other transcripts: non-coding transcript variant (1).
Genome position (GRCh38, 1-based): chr4:1,799,515, G>A. VCF-style: chr4-1799515-G-A. GRCh37 (hg19) VCF-style: chr4-1801242-G-A.
Other names: c.371G>A, p.Arg124Gln (NM_001163213.2, NM_001354809.2, NM_001354810.2 and 1 more transcripts); short protein forms R124Q.
Identifiers: ClinVar variation 1679996 (VCV001679996.8), dbSNP rs774749538, ClinGen allele CA2809776.